The following is an entry in ClinVar:

NM_030973.4(MED25):c.228C>T (p.Cys76=)

Gene: MED25 (mediator complex subunit 25; plus strand). Cytogenetic location: 19q13.33.
Variant type: single nucleotide variant.
Coding change: c.228C>T on transcript NM_030973.4 (MANE Select); coding-DNA position 228, C replaced by T.
Protein change: p.Cys76=; no amino-acid change (cysteine 76 retained).
Molecular consequence: synonymous variant.
Genome position (GRCh38, 1-based): chr19:49,819,219, C>T. VCF-style: chr19-49819219-C-T. GRCh37 (hg19) VCF-style: chr19-50322476-C-T.
Other names: c.228C>T, p.Cys76= (NM_001378355.1).
Identifiers: ClinVar variation 543263 (VCV000543263.33), dbSNP rs770196362, ClinGen allele CA9584769.

ClinVar aggregate classification (germline): Likely benign. Review status: criteria provided, multiple submitters, no conflicts (2 of 4 stars). 3 submissions from 3 submitters: Likely benign (3). Last evaluated 2025-09-02.

Conditions:
Charcot-Marie-Tooth disease type 2. Also called: Charcot-Marie-Tooth type 2. Identifiers: Orphanet 64746, MedGen C0270914, MONDO:0018993.
Charcot-Marie-Tooth disease. Also called: Charcot-Marie-Tooth Neuropathy; Charcot-Marie-Tooth Hereditary Neuropathy. Identifiers: Orphanet 166, MedGen C0007959, MONDO:0015626.

Allele frequency attached by ClinVar (database versions not stated): gnomAD below 0.00001 and 0.00003; ExAC 0.00010.
gnomAD v4.1: 83 of 1,614,050 alleles (0.0051%); highest among the groups gnomAD compares: South Asian, 0.083%; 1 homozygote.

Submissions (3):

Labcorp Genetics (formerly Invitae), Labcorp
Classification: Likely benign for Charcot-Marie-Tooth disease type 2. Last evaluated: 2025-09-02. Review status: criteria provided, single submitter. Criteria: Invitae Variant Classification Sherloc (09022015). Collection method: clinical testing. Allele origin: germline.

CeGaT Center for Human Genetics Tuebingen
Classification: Likely benign. Last evaluated: 2023-04-01. Review status: criteria provided, single submitter. Criteria: CeGaT Center For Human Genetics Tuebingen Variant Classification Criteria Version 2. Collection method: clinical testing. Allele origin: germline. Affected: yes. Observed: 1 variant allele.
Comment: MED25: BP4, BP7

Molecular Genetics Laboratory, London Health Sciences Centre
Classification: Likely benign for Charcot-Marie-Tooth disease. Review status: criteria provided, single submitter. Criteria: ACMG Guidelines, 2015. Collection method: clinical testing. Allele origin: germline. Affected: yes.